The following is an entry in ClinVar:

NM_000540.3(RYR1):c.2275A>G (p.Asn759Asp)

Gene: RYR1 (ryanodine receptor 1; plus strand). Cytogenetic location: 19q13.2.
Variant type: single nucleotide variant.
Coding change: c.2275A>G on transcript NM_000540.3 (MANE Select); coding-DNA position 2275, A replaced by G.
Protein change: p.Asn759Asp; replaces asparagine 759 with aspartic acid.
Molecular consequence: missense variant.
Genome position (GRCh38, 1-based): chr19:38,459,253, A>G. VCF-style: chr19-38459253-A-G. GRCh37 (hg19) VCF-style: chr19-38949893-A-G.
Other names: c.2275A>G, p.Asn759Asp (NM_001042723.2); short protein forms N759D.
Identifiers: ClinVar variation 161369 (VCV000161369.74), dbSNP rs147320363, ClinGen allele CA024341.

ClinVar aggregate classification (germline): Conflicting classifications of pathogenicity. Review status: criteria provided, conflicting classifications (1 of 4 stars). 21 submissions from 21 submitters: Pathogenic (1); Likely pathogenic (1); Uncertain significance (16). 3 of the submissions do not count toward it. Last evaluated 2026-09-24.

Conditions:
RYR1-related disorder. Also called: RYR1-related disorders; RYR1-related condition. Identifiers: MedGen CN239331.
Inborn genetic diseases. Identifiers: MedGen C0950123, MeSH D030342.
Malignant hyperthermia, susceptibility to, 1 (MHS1). Also called: Malignant hyperthermia suceptibility 1; Anesthesia related hyperthermia; Malignant hyperpyrexia; Fulminating hyperpyrexia; Pharmacogenic myopathy; RYR1-Related Malignant Hyperthermia Susceptibility. Identifiers: Orphanet 423, MedGen C2930980, MONDO:0007783, OMIM 145600.
Congenital multicore myopathy with external ophthalmoplegia (CMYO1B). Also called: MULTIMINICORE DISEASE WITH EXTERNAL OPHTHALMOPLEGIA; Congenital myopathy 1B, autosomal recessive; Minicore myopathy; MULTICORE MYOPATHY; Minicore myopathy with external ophthalmoplegia. Identifiers: Orphanet 598, Orphanet 98905, MedGen C1850674, MONDO:0009712, OMIM 255320, HP:0003789.
Congenital myopathy with fiber type disproportion. Also called: Congenital fiber-type disproportion myopathy; Congenital fiber-type disproportion. Identifiers: Orphanet 2020, MedGen C0546264, MONDO:0009711. Inheritance: all.
Central core myopathy (CMYO1A). Also called: CONGENITAL MYOPATHY 1A, AUTOSOMAL DOMINANT, WITH SUSCEPTIBILITY TO MALIGNANT HYPERTHERMIA; Central core disease; Myopathy, central fibrillar. Identifiers: Orphanet 597, MedGen C5830701, MONDO:0007294, OMIM 117000.
King Denborough syndrome (KDS). Identifiers: MedGen C1840365, MONDO:0020485, OMIM 619542.
Myopathy, RYR1-associated.

Allele frequency attached by ClinVar (database versions not stated): ESP Exome Variant Server 0.00015; gnomAD exomes 0.00032 and 0.00015; gnomAD 0.00014 and 0.00013; TOPMed 0.00014; 1000 Genomes Project 30x 0.00016; ExAC 0.00016; 1000 Genomes Project 0.00020.
gnomAD v4.1: 486 of 1,614,048 alleles (0.03%); highest among the groups gnomAD compares: Non-Finnish European, 0.04%; no homozygotes.

Submissions 1 to 10 of 21:

GeneDx
Classification: Uncertain significance. Last evaluated: 2026-09-24. Review status: criteria provided, single submitter. Criteria: GeneDx Variant Classification Process June 2021. Collection method: clinical testing. Allele origin: germline.
Comment: Identified in trans with a second RYR1 variant in a patient with central core disease (PMID: 23553484); Reported to affect FKBP binding (PMID: 26245150); In silico analysis supports that this missense variant has a deleterious effect on protein structure/function; This variant is associated with the following publications: (PMID: 30208288, 24195946, 23919265, 25637381, 26332594, 32899693, 35677449, 23553484, 37937776, 26245150)

Mendelics
Classification: Pathogenic for Central core myopathy. Last evaluated: 2026-03-05. Review status: criteria provided, single submitter. Criteria: ACMG Guidelines, 2015. Collection method: clinical testing. Allele origin: unknown.
Comment: Likely pathogenic/Pathogenic according to ACMG criteria.

Labcorp Genetics (formerly Invitae), Labcorp
Classification: Likely pathogenic for RYR1-related disorder. Last evaluated: 2026-01-19. Review status: criteria provided, single submitter. Criteria: Invitae Variant Classification Sherloc (09022015). Collection method: clinical testing. Allele origin: germline.
Comment: This sequence change replaces asparagine, which is neutral and polar, with aspartic acid, which is acidic and polar, at codon 759 of the RYR1 protein (p.Asn759Asp). This variant is present in population databases (rs147320363, gnomAD 0.02%). This missense change has been observed in individual(s) with clinical features of autosomal recessive central core myopathy (PMID: 23553484, 37937776). In at least one individual the data is consistent with being in trans (on the opposite chromosome) from a pathogenic variant. ClinVar contains an entry for this variant (Variation ID: 161369). Invitae Evidence Modeling of protein sequence and biophysical properties (such as structural, functional, and spatial information, amino acid conservation, physicochemical variation, residue mobility, and thermodynamic stability) indicates that this missense variant is expected to disrupt RYR1 protein function with a positive predictive value of 95%. In summary, the currently available evidence indicates that the variant is pathogenic, but additional data are needed to prove that conclusively. Therefore, this variant has been classified as Likely Pathogenic.

PreventionGenetics, part of Exact Sciences
Classification: Uncertain significance for RYR1-related condition. Last evaluated: 2025-08-08. Review status: criteria provided, single submitter. Criteria: ACMG Guidelines, 2015. Collection method: clinical testing. Allele origin: germline.
Comment: The RYR1 c.2275A>G variant is predicted to result in the amino acid substitution p.Asn759Asp. This variant has been reported in the compound heterozygous state in a single individual with RYR1-associated myopathy (Bharucha-Goebel et al. 2013. PubMed ID: 23553484; Amburgey et al. 2013. PubMed ID: 23919265; Table S2, Olfson et al. 2015. PubMed ID: 26332594). This variant was also reported in an individual with no family history of malignant hyperthermia susceptibility, heat illness, or myopathy (Supp. Table 3, Gonsalves et al. 2013. PubMed ID: 24195946). The majority of submissions to ClinVar interpret this variant as uncertain (Variation ID: 161369). This variant is reported in 0.024% of alleles in individuals of European (non-Finnish) descent in gnomAD. However, in gnomAD v4 (available only on GRCh38), this variant is reported in 467 alleles in a subpopulation. This population data is not consistent with this variant being a primary cause of an autosomal dominant disease. At this time, the clinical significance of this variant is uncertain due to the absence of conclusive functional and genetic evidence.

Dasa
Classification: Uncertain significance. Last evaluated: 2025-07-08. Review status: criteria provided, single submitter. Criteria: DASA Assertion Criteria. Collection method: clinical testing. Allele origin: germline.
Comment: NM_000540.3(RYR1):c.2275A>G (p.Asn759Asp) is a missense variant that results in the substitution of asparagine with aspartic acid. This variant has been recurrently observed in individuals with related phenotype (PMID: 23553484; PMID: 23919265; PMID: 26332594). Multiple computational predictions support a deleterious effect on the gene or gene product. The variant is present at low frequency in population datasets. Based on the available data, this variant is classified as variant of uncertain significance.

Revvity Omics, Revvity
Classification: Uncertain significance. Last evaluated: 2025-06-24. Review status: criteria provided, single submitter. Criteria: ACMG Guidelines, 2015. Collection method: clinical testing. Allele origin: germline.

Blueprint Genetics
Classification: Uncertain significance. Last evaluated: 2024-11-18. Review status: criteria provided, single submitter. Criteria: ACMG Guidelines, 2015. Collection method: clinical testing. Allele origin: germline.

All of Us Research Program, National Institutes of Health
Classification: Uncertain significance for Malignant hyperthermia, susceptibility to, 1. Last evaluated: 2024-09-23. Review status: criteria provided, single submitter. Criteria: ACMG Guidelines, 2015. Collection method: clinical testing. Allele origin: germline. Inheritance: Autosomal dominant inheritance. Observed: 95 variant alleles, 95 heterozygotes.
Comment: This missense variant replaces asparagine with aspartic acid at codon 759 of the RYR1 protein. Computational prediction suggests that this variant may have deleterious impact on protein structure and function (internally defined REVEL score threshold >= 0.7, PMID: 27666373). To our knowledge, functional studies have not been reported for this variant. This variant has not been reported in individuals affected with malignant hyperthermia in the literature, though it has been reported in individuals affected with myopathy (PMID: 23553484). This variant has been identified in 38/282814 chromosomes in the general population by the Genome Aggregation Database (gnomAD). The available evidence is insufficient to determine the role of this variant in disease conclusively. Therefore, this variant is classified as a Variant of Uncertain Significance.

This study involves interpretation of variants in research participants for the purpose of population health screening. Participant phenotype was not available at the time of variant classification. Additional details can be found in publication PMID: 35346344, PMCID: PMC8962531

Color Diagnostics, LLC DBA Color Health
Classification: Uncertain significance for Malignant hyperthermia, susceptibility to, 1. Last evaluated: 2024-03-20. Review status: criteria provided, single submitter. Criteria: ACMG Guidelines, 2015. Collection method: clinical testing. Allele origin: germline.
Comment: This missense variant replaces asparagine with aspartic acid at codon 759 of the RYR1 protein. Computational prediction is inconclusive regarding the impact of this variant on protein structure and function. To our knowledge, functional studies have not been reported for this variant. This variant has not been reported in individuals affected with autosomal dominant malignant hyperthermia in the literature, although it is associated with other phenotype(s) (ClinVar Variation ID: 161369, PMID: 23553484). This variant has been identified in 38/282814 chromosomes in the general population by the Genome Aggregation Database (gnomAD). Due to insufficient evidence, this variant is classified as a Variant of Uncertain Significance for autosomal dominant malignant hyperthermia.

3billion
Classification: Uncertain significance for Congenital multicore myopathy with external ophthalmoplegia. Last evaluated: 2024-01-25. Review status: criteria provided, single submitter. Criteria: ACMG Guidelines, 2015. Collection method: clinical testing. Allele origin: germline. Affected: yes.
Comment: The variant is observed at an extremely low frequency in the gnomAD v2.1.1 dataset (total allele frequency: 0.013%). Predicted Consequence/Location: Missense variant In silico tool predictions suggest damaging effect of the variant on gene or gene product [REVEL: 0.83 (>=0.6, sensitivity 0.68 and specificity 0.92)]. Same nucleotide change resulting in same amino acid change has been previously reported to be associated with RYR1-related disorder (PMID: 23553484). However, the evidence of pathogenicity is insufficient at this time. Therefore, this variant is classified as VUS according to the recommendation of ACMG/AMP guideline.